The following is an entry in ClinVar:

ClinVar aggregate classification (germline): Pathogenic (1 of 4 stars; one submission).

Submission:

GeneDx
Classification: Pathogenic. Last evaluated: 2018-10-29. Review status: criteria provided, single submitter. Criteria: GeneDx Variant Classification (06012015). Collection method: clinical testing. Allele origin: germline. Affected: yes.
Comment: The c.2983delC variant in the IQSEC2 gene has not been reported previously as a pathogenic variant nor as a benign variant, to our knowledge. This variant causes a frameshift starting with codon Arginine 995, changes this amino acid to a Glycine residue, and creates a premature Stop codon at position 23 of the new reading frame, denoted p.Arg995GlyfsX23. This variant is predicted to cause loss of normal protein function either through protein truncation or nonsense-mediated mRNA decay. The c.2983delC variant is not observed in large population cohorts (Lek et al., 2016). We interpret c.2983delC as a pathogenic variant.

NM_001111125.3(IQSEC2):c.2983del (p.Arg995fs)

Gene: IQSEC2 (IQ motif and Sec7 domain ArfGEF 2; minus strand). Cytogenetic location: Xp11.22.
Variant type: Deletion.
Coding change: c.2983del on transcript NM_001111125.3 (MANE Select); coding-DNA position 2983, one base deleted (C; older notation c.2983delC).
Protein change: p.Arg995fs; shifts the reading frame from arginine 995.
Molecular consequence: frameshift variant.
Genome position (GRCh38, 1-based): chrX:53,241,816, G deleted on the plus strand (C on the coding strand, the reverse complement: IQSEC2 is on the minus strand). VCF-style (leftmost placement, unchanged base first): chrX-53241815-CG-C. GRCh37 (hg19) VCF-style: chrX-53270997-CG-C.
Other names: c.2368del, p.Arg790fs (NM_015075.2); short protein forms R790fs, R995fs.
Identifiers: ClinVar variation 817283 (VCV000817283.1), dbSNP rs1602268620, ClinGen allele CA915951125.